The following is an entry in ClinVar:

NM_001379200.1(TBX1):c.1336C>T (p.Pro446Ser)

Gene: TBX1 (T-box transcription factor 1; plus strand). Cytogenetic location: 22q11.21.
Variant type: single nucleotide variant.
Coding change: c.1336C>T on transcript NM_001379200.1 (MANE Select); coding-DNA position 1336, C replaced by T.
Protein change: p.Pro446Ser; replaces proline 446 with serine.
Molecular consequence: missense variant. On other transcripts: intron variant (2).
Genome position (GRCh38, 1-based): chr22:19,766,688, C>T. VCF-style: chr22-19766688-C-T. GRCh37 (hg19) VCF-style: chr22-19754211-C-T.
Other names: c.1309C>T, p.Pro437Ser (NM_080647.1); c.1009+686C>T (NM_005992.1, NM_080646.2); short protein forms P437S, P446S.
Identifiers: ClinVar variation 805626 (VCV000805626.17), dbSNP rs201993443, ClinGen allele CA10102714.

ClinVar aggregate classification (germline): Conflicting classifications of pathogenicity. Review status: criteria provided, conflicting classifications (1 of 4 stars). 7 submissions from 7 submitters: Uncertain significance (4); Likely benign (3). Last evaluated 2026-01-25.

Conditions:
DiGeorge syndrome. Also called: THIRD AND FOURTH PHARYNGEAL POUCH SYNDROME; Catch22. Identifiers: Orphanet 567, MedGen C0012236, MONDO:0008564, OMIM 188400.
TBX1-related disorder. Also called: TBX1-related condition; TBX1-Related Disorders.
Cardiovascular phenotype. Identifiers: MedGen CN230736.

Allele frequency attached by ClinVar (database versions not stated): gnomAD exomes 0.00008; ExAC 0.00009; 1000 Genomes Project 30x 0.00016; ESP Exome Variant Server 0.00019; 1000 Genomes Project 0.00020; gnomAD 0.00026; TOPMed 0.00036.
gnomAD v4.1: 410 of 1,549,436 alleles (0.026%); highest among the groups gnomAD compares: Admixed American, 0.051%; 1 homozygote.

Submissions (7):

Labcorp Genetics (formerly Invitae), Labcorp
Classification: Uncertain significance for DiGeorge syndrome. Last evaluated: 2026-01-25. Review status: criteria provided, single submitter. Criteria: Invitae Variant Classification Sherloc (09022015). Collection method: clinical testing. Allele origin: germline.
Comment: This sequence change replaces proline, which is neutral and non-polar, with serine, which is neutral and polar, at codon 437 of the TBX1 protein (p.Pro437Ser). This variant is present in population databases (rs201993443, gnomAD 0.02%). This missense change has been observed in individual(s) with clinical features of DiGeorge syndrome (PMID: 30773290). ClinVar contains an entry for this variant (Variation ID: 805626). An algorithm developed to predict the effect of missense changes on protein structure and function (PolyPhen-2) suggests that this variant is likely to be disruptive. In summary, the available evidence is currently insufficient to determine the role of this variant in disease. Therefore, it has been classified as a Variant of Uncertain Significance.

Ambry Genetics
Classification: Uncertain significance for Cardiovascular phenotype. Last evaluated: 2025-06-24. Review status: criteria provided, single submitter. Criteria: Ambry Variant Classification Scheme 2023. Collection method: clinical testing. Allele origin: germline.
Comment: The p.P437S variant (also known as c.1309C>T), located in coding exon 8 of the TBX1 gene, results from a C to T substitution at nucleotide position 1309. The proline at codon 437 is replaced by serine, an amino acid with similar properties. This variant has been reported in an exome cohort and a kidney disease cohort (Baldridge D et al. Genet Med, 2017 Sep;19:1040-1048; Connaughton DM et al. Kidney Int, 2019 Apr;95:914-928). This amino acid position is highly conserved in available vertebrate species. In addition, the in silico prediction for this alteration is inconclusive. Based on the available evidence, the clinical significance of this variant remains unclear.

PreventionGenetics, part of Exact Sciences
Classification: Likely benign for TBX1-related condition. Last evaluated: 2025-01-09. Review status: criteria provided, single submitter. Criteria: ACMG Guidelines, 2015. Collection method: clinical testing. Allele origin: germline.
Comment: This variant is classified as likely benign based on ACMG/AMP sequence variant interpretation guidelines (Richards et al. 2015 PMID: 25741868, with internal and published modifications).

Blueprint Genetics
Classification: Likely benign. Last evaluated: 2024-11-15. Review status: criteria provided, single submitter. Criteria: ACMG Guidelines, 2015. Collection method: clinical testing. Allele origin: germline.

GeneDx
Classification: Likely benign. Last evaluated: 2021-05-20. Review status: criteria provided, single submitter. Criteria: GeneDx Variant Classification Process June 2021. Collection method: clinical testing. Allele origin: germline. Affected: yes.
Comment: This variant is associated with the following publications: (PMID: 30773290)

New York Genome Center
Classification: Uncertain significance for DiGeorge syndrome. Last evaluated: 2019-07-22. Review status: criteria provided, single submitter. Criteria: NYGC Assertion Criteria 2020. Collection method: clinical testing. Allele origin: germline. Observed: 1 heterozygote. Study: CSER-NYCKidSeq.

Athena Diagnostics
Classification: Uncertain significance. Last evaluated: 2018-11-27. Review status: criteria provided, single submitter. Criteria: Athena Diagnostics Criteria. Collection method: clinical testing. Allele origin: germline.

Literature cited by the submitters: PubMed 30773290 (cited by Labcorp Genetics (formerly Invitae), Labcorp and Ambry Genetics); PubMed 28252636 (cited by Ambry Genetics).